The following is an entry in ClinVar:

ClinVar aggregate classification (germline): Uncertain significance (1 of 4 stars; one submission).

Allele frequency attached by ClinVar (database versions not stated): gnomAD exomes below 0.00001.
gnomAD v4.1: 2 of 1,613,916 alleles (0.00012%); highest among the groups gnomAD compares: South Asian, 0.0022%; no homozygotes.

Submission:

Women's Health and Genetics/Laboratory Corporation of America, LabCorp
Classification: Uncertain significance. Last evaluated: 2022-09-22. Review status: criteria provided, single submitter. Criteria: LabCorp Variant Classification Summary - May 2015. Collection method: clinical testing. Allele origin: germline.
Comment: Variant summary: ASXL2 c.3839A>T (p.Lys1280Met) results in a non-conservative amino acid change in the encoded protein sequence. Four of five in-silico tools predict a damaging effect of the variant on protein function. The variant was absent in 248948 control chromosomes (gnomAD). The available data on variant occurrences in the general population are insufficient to allow any conclusion about variant significance. To our knowledge, no occurrence of c.3839A>T in individuals affected with Shashi-Pena Syndrome and no experimental evidence demonstrating its impact on protein function have been reported. No clinical diagnostic laboratories have submitted clinical-significance assessments for this variant to ClinVar after 2014. Based on the evidence outlined above, the variant was classified as uncertain significance.

NM_018263.6(ASXL2):c.3839A>T (p.Lys1280Met)

Gene: ASXL2 (ASXL transcriptional regulator 2; minus strand). Cytogenetic location: 2p23.3.
Variant type: single nucleotide variant.
Coding change: c.3839A>T on transcript NM_018263.6 (MANE Select); coding-DNA position 3839, A replaced by T.
Protein change: p.Lys1280Met; replaces lysine 1280 with methionine.
Molecular consequence: missense variant.
Genome position (GRCh38, 1-based): chr2:25,742,498, T>A on the plus strand (A>T on the coding strand, the complement: ASXL2 is on the minus strand). VCF-style: chr2-25742498-T-A. GRCh37 (hg19) VCF-style: chr2-25965367-T-A.
Other names: c.3665A>T, p.Lys1222Met (NM_001369346.1); c.3059A>T, p.Lys1020Met (NM_001369347.1); short protein forms K1020M, K1222M, K1280M.
Identifiers: ClinVar variation 1722442 (VCV001722442.1), dbSNP rs1462167213, ClinGen allele CA346075709.
Genomic context (GRCh38, chr2:25,742,498, plus strand): 5'-CTGTCTGCAGGCAGAGGAAGAACAGTAGAACTGAAAAGCTCGGGGCTGCTACGGATTGCC[T>A]TACCTCTCACTGCATGAGCCATCTGCTTCTGTGCTGCCTGAATTAAATCTCTGGCTAGGG-3'
Protein context (NP_060733.4, residues 1270-1290): QKQMAHAVRG[Lys1280Met]AIRSSPELFS